The following is an entry in ClinVar:

NM_001042492.3(NF1):c.4316T>G (p.Leu1439Trp)

Gene: NF1 (neurofibromin 1; plus strand). Cytogenetic location: 17q11.2.
Variant type: single nucleotide variant.
Coding change: c.4316T>G on transcript NM_001042492.3 (MANE Select); coding-DNA position 4316, T replaced by G.
Protein change: p.Leu1439Trp; replaces leucine 1439 with tryptophan.
Molecular consequence: missense variant.
Genome position (GRCh38, 1-based): chr17:31,258,486, T>G. VCF-style: chr17-31258486-T-G. GRCh37 (hg19) VCF-style: chr17-29585504-T-G.
Other names: c.4253T>G, p.Leu1418Trp (NM_000267.4); short protein forms L1418W, L1439W.
Identifiers: ClinVar variation 1010353 (VCV001010353.9), dbSNP rs1567862071, ClinGen allele CA398998122.
Genomic context (GRCh38, chr17:31,258,486, plus strand): 5'-TCTCACCGTATGAAGCAGGGATTTTAGATAAAAAGCCACCACCTAGAATCGAAAGGGGCT[T>G]GAAGTTAATGTCAAAGGTGAATTATTTTGATAATCTAGCTATCTTAAATTCCCCTTCCAA-3'
Protein context (NP_001035957.1, residues 1429-1449): KKPPPRIERG[Leu1439Trp]KLMSKILQSI

ClinVar aggregate classification (germline): Conflicting classifications of pathogenicity. Review status: criteria provided, conflicting classifications (1 of 4 stars). 3 submissions from 3 submitters: Uncertain significance (2); Likely benign (1). Last evaluated 2026-07-24.

Conditions:
Cardiovascular phenotype. Identifiers: MedGen CN230736.
Hereditary cancer-predisposing syndrome. Also called: Tumor predisposition; Hereditary Cancer Syndrome; Hereditary neoplastic syndrome; Neoplastic Syndromes, Hereditary. Identifiers: Orphanet 140162, MedGen C0027672, MeSH D009386, MONDO:0015356.
Neurofibromatosis, type 1 (NF1). Also called: VON RECKLINGHAUSEN DISEASE; Peripheral type neurofibromatosis; Neurofibromatosis, type I; NEUROFIBROMATOSIS, TYPE I, SOMATIC. Identifiers: Orphanet 636, MedGen C0027831, MONDO:0018975, OMIM 162200. Disease mechanism: loss of function.
Juvenile myelomonocytic leukemia (JMML). Also called: LEUKEMIA, JUVENILE MYELOMONOCYTIC, SOMATIC. Identifiers: Orphanet 86834, MedGen C0349639, MONDO:0011908, OMIM 607785, HP:0012209.

Submissions (3):

Ambry Genetics
Classification: Uncertain significance for Cardiovascular phenotype; Hereditary cancer-predisposing syndrome. Last evaluated: 2026-07-24. Review status: criteria provided, single submitter. Criteria: Ambry Variant Classification Scheme 2023. Collection method: clinical testing. Allele origin: germline.
Comment: The p.L1418W variant (also known as c.4253T>G), located in coding exon 31 of the NF1 gene, results from a T to G substitution at nucleotide position 4253. The leucine at codon 1418 is replaced by tryptophan, an amino acid with similar properties. This amino acid position is conserved. In addition, this alteration is predicted to be deleterious by in silico analysis. Based on the available evidence, the clinical significance of this variant remains unclear.

Labcorp Genetics (formerly Invitae), Labcorp
Classification: Likely benign for Neurofibromatosis, type 1. Last evaluated: 2025-05-05. Review status: criteria provided, single submitter. Criteria: Invitae Variant Classification Sherloc (09022015). Collection method: clinical testing. Allele origin: germline.

Baylor Genetics
Classification: Uncertain significance for Juvenile myelomonocytic leukemia. Last evaluated: 2023-06-14. Review status: criteria provided, single submitter. Criteria: ACMG Guidelines, 2015. Collection method: clinical testing. Allele origin: unknown.